The following is an entry in ClinVar:

ClinVar aggregate classification (germline): Pathogenic (1 of 4 stars; one submission).

Conditions:
Cone-rod dystrophy 6 (CORD6). Also called: Cone dystrophy progressive; RETINAL CONE DYSTROPHY 2. Identifiers: Orphanet 1872, MedGen C1866293, MONDO:0011143, OMIM 601777.
Leber congenital amaurosis 1 (LCA1). Also called: Congenital absence of the rods and cones; Leber's congenital tapetoretinal degeneration; Leber's congenital tapetoretinal dysplasia; AMAUROSIS CONGENITA OF LEBER I; RETINAL BLINDNESS, CONGENITAL. Identifiers: Orphanet 65, MedGen C2931258, MONDO:0008764, OMIM 204000.

Submission:

Labcorp Genetics (formerly Invitae), Labcorp
Classification: Pathogenic for Leber congenital amaurosis 1; Cone-rod dystrophy 6. Last evaluated: 2023-09-18. Review status: criteria provided, single submitter. Criteria: Invitae Variant Classification Sherloc (09022015). Collection method: clinical testing. Allele origin: germline.
Comment: For these reasons, this variant has been classified as Pathogenic. This variant has not been reported in the literature in individuals affected with GUCY2D-related conditions. This sequence change creates a premature translational stop signal (p.Tyr595Trpfs*41) in the GUCY2D gene. It is expected to result in an absent or disrupted protein product. Loss-of-function variants in GUCY2D are known to be pathogenic (PMID: 10951519, 11328726). This variant is not present in population databases (gnomAD no frequency).

Literature cited by the submitters: PubMed 10951519; PubMed 11328726.

NM_000180.4(GUCY2D):c.1784_1787del (p.Tyr595fs)

Gene: GUCY2D (guanylate cyclase 2D, retinal; plus strand). Cytogenetic location: 17p13.1.
Variant type: Deletion.
Coding change: c.1784_1787del on transcript NM_000180.4 (MANE Select); coding-DNA positions 1784 to 1787, 4 bases deleted (ACCT; older notation c.1784_1787delACCT).
Protein change: p.Tyr595fs; shifts the reading frame from tyrosine 595.
Molecular consequence: frameshift variant.
Genome position (GRCh38, 1-based): chr17:8,012,178-8,012,181, ACCT deleted; deleting any 4 consecutive bases within chr17:8,012,176-8,012,181 gives the same sequence; the c. name uses the placement nearest the transcript's 3' end. VCF-style (leftmost placement, unchanged base first): chr17-8012175-TCTAC-T. GRCh37 (hg19) VCF-style: chr17-7915493-TCTAC-T.
Other names: short protein forms Y595fs.
Identifiers: ClinVar variation 2952063 (VCV002952063.3), dbSNP rs2545423955, ClinGen allele CA2740095238.
Genomic context (GRCh38, chr17:8,012,175, plus strand): 5'-AAAATGCAAGTCAACTCTCCCCCTCTCAGCTCCAGGAGCTCCGGCATGAGAACGTGGCCC[TCTAC>T]CTGGGGCTTTTCCTGGCTCGGGGAGCAGAAGGCCCTGCGGCCCTCTGGGAGGGCAACCTG-3'